The following is an entry in ClinVar:

ClinVar aggregate classification (germline): Conflicting classifications of pathogenicity. Review status: criteria provided, conflicting classifications (1 of 4 stars). 7 submissions from 7 submitters: Uncertain significance (1); Likely benign (4). 2 of the submissions do not count toward it. Last evaluated 2026-01-21.

Conditions:
MAN2B1-related disorder. Also called: MAN2B1-related condition.
Deficiency of alpha-mannosidase (MANSA). Also called: Alpha-Mannosidosis; Mannosidosis, alpha-, types I and II; LYSOSOMAL ALPHA-D-MANNOSIDASE DEFICIENCY. Identifiers: Orphanet 61, MedGen C0024748, MONDO:0009561, OMIM 248500.

Allele frequency attached by ClinVar (database versions not stated): 1000 Genomes Project 0.00020; TOPMed 0.00030; ESP Exome Variant Server 0.00031; gnomAD exomes 0.00067 and 0.00122; ExAC 0.00106; gnomAD 0.00132 and 0.00139; 1000 Genomes Project 30x 0.00016.
gnomAD v4.1: 1,178 of 1,608,940 alleles (0.073%); highest among the groups gnomAD compares: Non-Finnish European, 0.052%; 2 homozygotes.

Submissions (7):

Labcorp Genetics (formerly Invitae), Labcorp
Classification: Likely benign for Deficiency of alpha-mannosidase. Last evaluated: 2026-01-21. Review status: criteria provided, single submitter. Criteria: Invitae Variant Classification Sherloc (09022015). Collection method: clinical testing. Allele origin: germline.

Blueprint Genetics
Classification: Likely benign. Last evaluated: 2024-11-20. Review status: criteria provided, single submitter. Criteria: ACMG Guidelines, 2015. Collection method: clinical testing. Allele origin: germline.

Genome-Nilou Lab
Classification: Likely benign for Deficiency of alpha-mannosidase. Last evaluated: 2021-09-05. Review status: criteria provided, single submitter. Criteria: ACMG Guidelines, 2015. Collection method: clinical testing. Allele origin: germline. Affected: no.

GeneDx
Classification: Likely benign. Last evaluated: 2018-12-13. Review status: criteria provided, single submitter. Criteria: GeneDx Variant Classification Process June 2021. Collection method: clinical testing. Allele origin: germline. Affected: yes.

Illumina Laboratory Services, Illumina
Classification: Uncertain significance for Deficiency of alpha-mannosidase. Last evaluated: 2018-01-12. Review status: criteria provided, single submitter. Criteria: ICSL Variant Classification Criteria 13 December 2019. Collection method: clinical testing. Allele origin: germline.

Natera, Inc.
Classification: Benign for Alpha-mannosidosis. Last evaluated: 2019-11-11. Review status: no assertion criteria provided. Collection method: clinical testing. Allele origin: germline. Not counted in ClinVar's aggregate classification.

PreventionGenetics, part of Exact Sciences
Classification: Benign for MAN2B1-related condition. Last evaluated: 2019-10-01. Review status: no assertion criteria provided. Collection method: clinical testing. Allele origin: germline. Not counted in ClinVar's aggregate classification.
Comment: This variant is classified as benign based on ACMG/AMP sequence variant interpretation guidelines (Richards et al. 2015 PMID: 25741868, with internal and published modifications).

NM_000528.4(MAN2B1):c.1822G>A (p.Glu608Lys)

Gene: MAN2B1 (mannosidase alpha class 2B member 1; minus strand). Cytogenetic location: 19p13.13.
Variant type: single nucleotide variant.
Coding change: c.1822G>A on transcript NM_000528.4 (MANE Select); coding-DNA position 1822, G replaced by A.
Protein change: p.Glu608Lys; replaces glutamic acid 608 with lysine.
Molecular consequence: missense variant.
Genome position (GRCh38, 1-based): chr19:12,655,702, C>T on the plus strand (G>A on the coding strand, the complement: MAN2B1 is on the minus strand). VCF-style: chr19-12655702-C-T. GRCh37 (hg19) VCF-style: chr19-12766516-C-T.
Other names: c.1819G>A, p.Glu607Lys (NM_001173498.2); short protein forms E608K, E607K.
Identifiers: ClinVar variation 451935 (VCV000451935.25), dbSNP rs145062583, ClinGen allele CA9226318.